The following is an entry in ClinVar:

NM_004260.4(RECQL4):c.752G>A (p.Ser251Asn)

Gene: RECQL4 (RecQ like helicase 4; minus strand). Cytogenetic location: 8q24.3.
Variant type: single nucleotide variant.
Coding change: c.752G>A on transcript NM_004260.4 (MANE Select); coding-DNA position 752, G replaced by A.
Protein change: p.Ser251Asn; replaces serine 251 with asparagine.
Molecular consequence: missense variant.
Genome position (GRCh38, 1-based): chr8:144,516,367, C>T on the plus strand (G>A on the coding strand, the complement: RECQL4 is on the minus strand). VCF-style: chr8-144516367-C-T. GRCh37 (hg19) VCF-style: chr8-145741751-C-T.
Other names: c.752G>A (NM_004260.3); c.752G>A, p.Ser251Asn (NM_001413017.1, NM_001413018.1, NM_001413019.1 and 4 more transcripts); c.-320G>A (NM_001413021.1, NM_001413022.1, NM_001413023.1 and 7 more transcripts); c.623G>A, p.Ser208Asn (NM_001413025.1); c.-382G>A (NM_001413027.1, NM_001413030.1, NM_001413031.1 and 2 more transcripts); c.401G>A, p.Ser134Asn (NM_001413029.1); c.-224G>A (NM_001413034.1); c.-589G>A (NM_001413043.1); short protein forms S134N, S251N, S208N.
Identifiers: ClinVar variation 2141441 (VCV002141441.5), dbSNP rs1269997113, ClinGen allele CA372689393.
Genomic context (GRCh38, chr8:144,516,367, plus strand): 5'-CTCTCCCAGGGCTCCTCGTTCCATCTCCGCTTCTCGCCTCCACTGCTGCTGGGCTGGGGG[C>T]TCCCCACACGGATGCTGACTTCTTGGAAGGCTGAAGCCTCTGGGCCCTGGGAGCCAGCAC-3'
Protein context (NP_004251.4, residues 241-261): AFQEVSIRVG[Ser251Asn]PQPSSSGGEK

ClinVar aggregate classification (germline): Uncertain significance. Review status: criteria provided, multiple submitters, no conflicts (2 of 4 stars). 2 submissions from 2 submitters: Uncertain significance (2). Last evaluated 2025-08-04.

Conditions:
Baller-Gerold syndrome (BGS). Also called: CRANIOSYNOSTOSIS WITH RADIAL DEFECTS. Identifiers: Orphanet 1225, MedGen C0265308, MONDO:0009039, OMIM 218600.
Inborn genetic diseases. Identifiers: MedGen C0950123, MeSH D030342.

gnomAD v4.1: 1 of 1,610,064 alleles (0.000062%); highest among the groups gnomAD compares: Non-Finnish European, 0.000085%; no homozygotes.

Submissions (2):

Ambry Genetics
Classification: Uncertain significance for Inborn genetic diseases. Last evaluated: 2025-08-04. Review status: criteria provided, single submitter. Criteria: Ambry Variant Classification Scheme 2023. Collection method: clinical testing. Allele origin: germline.
Comment: The p.S251N variant (also known as c.752G>A), located in coding exon 5 of the RECQL4 gene, results from a G to A substitution at nucleotide position 752. The serine at codon 251 is replaced by asparagine, an amino acid with highly similar properties. This amino acid position is conserved. In addition, this alteration is predicted to be tolerated by in silico analysis. Based on the available evidence, the clinical significance of this variant remains unclear.

Labcorp Genetics (formerly Invitae), Labcorp
Classification: Uncertain significance for Baller-Gerold syndrome. Last evaluated: 2022-09-10. Review status: criteria provided, single submitter. Criteria: Invitae Variant Classification Sherloc (09022015). Collection method: clinical testing. Allele origin: germline.
Comment: This variant is not present in population databases (gnomAD no frequency). In summary, the available evidence is currently insufficient to determine the role of this variant in disease. Therefore, it has been classified as a Variant of Uncertain Significance. Experimental studies and prediction algorithms are not available or were not evaluated, and the functional significance of this variant is currently unknown. This variant has not been reported in the literature in individuals affected with RECQL4-related conditions. This sequence change replaces serine, which is neutral and polar, with asparagine, which is neutral and polar, at codon 251 of the RECQL4 protein (p.Ser251Asn).